The following is an entry in ClinVar:

ClinVar aggregate classification (germline): Uncertain significance (1 of 4 stars; one submission).

gnomAD v4.1: 2 of 1,613,088 alleles (0.00012%); highest among the groups gnomAD compares: African/African-American, 0.0027%; no homozygotes.

Submission:

Labcorp Genetics (formerly Invitae), Labcorp
Classification: Uncertain significance. Last evaluated: 2025-02-28. Review status: criteria provided, single submitter. Criteria: Invitae Variant Classification Sherloc (09022015). Collection method: clinical testing. Allele origin: germline.
Comment: This sequence change replaces aspartic acid, which is acidic and polar, with glutamic acid, which is acidic and polar, at codon 659 of the CDK13 protein (p.Asp659Glu). This variant is not present in population databases (gnomAD no frequency). This variant has not been reported in the literature in individuals affected with CDK13-related conditions. Invitae Evidence Modeling of protein sequence and biophysical properties (such as structural, functional, and spatial information, amino acid conservation, physicochemical variation, residue mobility, and thermodynamic stability) indicates that this missense variant is not expected to disrupt CDK13 protein function with a negative predictive value of 95%. In summary, the available evidence is currently insufficient to determine the role of this variant in disease. Therefore, it has been classified as a Variant of Uncertain Significance.

NM_003718.5(CDK13):c.1977T>G (p.Asp659Glu)

Gene: CDK13 (cyclin dependent kinase 13; plus strand). Cytogenetic location: 7p14.1.
Variant type: single nucleotide variant.
Coding change: c.1977T>G on transcript NM_003718.5 (MANE Select); coding-DNA position 1977, T replaced by G.
Protein change: p.Asp659Glu; replaces aspartic acid 659 with glutamic acid.
Molecular consequence: missense variant.
Genome position (GRCh38, 1-based): chr7:39,997,599, T>G. VCF-style: chr7-39997599-T-G. GRCh37 (hg19) VCF-style: chr7-40037198-T-G.
Other names: c.1977T>G, p.Asp659Glu (NM_031267.4); short protein forms D659E.
Identifiers: ClinVar variation 4765021 (VCV004765021.1).